The following is an entry in ClinVar:

NM_133372.3(FNIP1):c.1652C>T (p.Thr551Met)

Gene: FNIP1 (folliculin interacting protein 1; minus strand). Cytogenetic location: 5q31.1.
Variant type: single nucleotide variant.
Coding change: c.1652C>T on transcript NM_133372.3 (MANE Select); coding-DNA position 1652, C replaced by T.
Protein change: p.Thr551Met; replaces threonine 551 with methionine.
Molecular consequence: missense variant.
Genome position (GRCh38, 1-based): chr5:131,672,792, G>A on the plus strand (C>T on the coding strand, the complement: FNIP1 is on the minus strand). VCF-style: chr5-131672792-G-A. GRCh37 (hg19) VCF-style: chr5-131008485-G-A.
Other names: c.1568C>T, p.Thr523Met (NM_001008738.3); c.1517C>T, p.Thr506Met (NM_001346114.2); c.1652C>T (NM_133372.2); short protein forms T523M, T506M, T551M.
Identifiers: ClinVar variation 2163150 (VCV002163150.2), dbSNP rs139891253, ClinGen allele CA3400625.
Genomic context (GRCh38, chr5:131,672,792, plus strand): 5'-GTAGTAATTACTGTGCCTGGCATAACGATGGCTTCATCTTCTCCATTTTCTAAAAGATGC[G>A]TTTCTTGAAGTTCAGAGCATCTTATAAAATAAGTAAGAAAATAAAGTAGCCTCTGGACCA-3'
Protein context (NP_588613.3, residues 541-561): YFIRCSELQE[Thr551Met]HLLENGEDEA

ClinVar aggregate classification (germline): Uncertain significance. Review status: criteria provided, multiple submitters, no conflicts (2 of 4 stars). 2 submissions from 2 submitters: Uncertain significance (2). Last evaluated 2022-08-11.

Conditions:
Inborn genetic diseases. Identifiers: MedGen C0950123, MeSH D030342.

Allele frequency attached by ClinVar (database versions not stated): gnomAD exomes 0.00003; ExAC 0.00006; ESP Exome Variant Server 0.00008; gnomAD 0.00008; TOPMed 0.00011; 1000 Genomes Project 0.00040; 1000 Genomes Project 30x 0.00047.
gnomAD v4.1: 66 of 1,613,644 alleles (0.0041%); highest among the groups gnomAD compares: African/African-American, 0.019%; no homozygotes.

Submissions (2):

Ambry Genetics
Classification: Uncertain significance for Inborn genetic diseases. Last evaluated: 2022-08-11. Review status: criteria provided, single submitter. Criteria: Ambry Variant Classification Scheme 2023. Collection method: clinical testing. Allele origin: germline.

Labcorp Genetics (formerly Invitae), Labcorp
Classification: Uncertain significance. Last evaluated: 2022-04-15. Review status: criteria provided, single submitter. Criteria: Invitae Variant Classification Sherloc (09022015). Collection method: clinical testing. Allele origin: germline.
Comment: This sequence change replaces threonine, which is neutral and polar, with methionine, which is neutral and non-polar, at codon 551 of the FNIP1 protein (p.Thr551Met). This variant is present in population databases (rs139891253, gnomAD 0.03%). This variant has not been reported in the literature in individuals affected with FNIP1-related conditions. Algorithms developed to predict the effect of missense changes on protein structure and function are either unavailable or do not agree on the potential impact of this missense change (SIFT: "Deleterious"; PolyPhen-2: "Probably Damaging"; Align-GVGD: "Class C0"). In summary, the available evidence is currently insufficient to determine the role of this variant in disease. Therefore, it has been classified as a Variant of Uncertain Significance.